The following is an entry in ClinVar:

NM_000135.4(FANCA):c.1197C>A (p.Cys399Ter)

Gene: FANCA (FA complementation group A; minus strand). Cytogenetic location: 16q24.3.
Variant type: single nucleotide variant.
Coding change: c.1197C>A on transcript NM_000135.4 (MANE Select); coding-DNA position 1197, C replaced by A.
Protein change: p.Cys399Ter; replaces cysteine 399 with a stop codon.
Molecular consequence: nonsense.
Genome position (GRCh38, 1-based): chr16:89,791,955, G>T on the plus strand (C>A on the coding strand, the complement: FANCA is on the minus strand). VCF-style: chr16-89791955-G-T. GRCh37 (hg19) VCF-style: chr16-89858363-G-T.
Other names: c.1197C>A, p.Cys399Ter (NM_001286167.3); c.1197C>A (NM_000135.3); short protein forms C399*.
Identifiers: ClinVar variation 3639433 (VCV003639433.4).

ClinVar aggregate classification (germline): Pathogenic/Likely pathogenic. Review status: criteria provided, multiple submitters, no conflicts (2 of 4 stars). 2 submissions from 2 submitters: Pathogenic (1); Likely pathogenic (1). Last evaluated 2025-03-02.

Conditions:
Fanconi anemia (FA). Also called: Fanconi's anemia. Identifiers: Orphanet 84, MedGen C0015625, MeSH D005199, MONDO:0019391.

Submissions (2):

Natera, Inc.
Classification: Likely pathogenic for Fanconi anemia. Last evaluated: 2025-03-02. Review status: criteria provided, single submitter. Criteria: Natera Variant Classification Schema (03/2026). Collection method: clinical testing. Allele origin: germline.
Comment: The c.1197C>A variant in FANCA is a nonsense variant predicted to introduce a stop codon at amino acid 399. This variant is expected to result in nonsense mediated decay, truncation, or a dysfunctional protein product. This variant is rare in the general population with a frequency below the threshold expected for the associated phenotype(s). Given the available evidence, this variant is classified as Likely Pathogenic.

Labcorp Genetics (formerly Invitae), Labcorp
Classification: Pathogenic for Fanconi anemia. Last evaluated: 2024-02-07. Review status: criteria provided, single submitter. Criteria: Invitae Variant Classification Sherloc (09022015). Collection method: clinical testing. Allele origin: germline.
Comment: This sequence change creates a premature translational stop signal (p.Cys399*) in the FANCA gene. It is expected to result in an absent or disrupted protein product. Loss-of-function variants in FANCA are known to be pathogenic (PMID: 19367192). This variant is not present in population databases (gnomAD no frequency). This variant has not been reported in the literature in individuals affected with FANCA-related conditions. For these reasons, this variant has been classified as Pathogenic.

Literature cited by the submitters: PubMed 19367192 (cited by Labcorp Genetics (formerly Invitae), Labcorp).